The following is an entry in ClinVar:

NM_016335.6(PRODH):c.319A>G (p.Lys107Glu)

Gene: PRODH (proline dehydrogenase 1; minus strand). Cytogenetic location: 22q11.21.
Variant type: single nucleotide variant.
Coding change: c.319A>G on transcript NM_016335.6 (MANE Select); coding-DNA position 319, A replaced by G.
Protein change: p.Lys107Glu; replaces lysine 107 with glutamic acid.
Molecular consequence: missense variant. On other transcripts: 5 prime UTR variant (1).
Genome position (GRCh38, 1-based): chr22:18,931,153, T>C on the plus strand (A>G on the coding strand, the complement: PRODH is on the minus strand). VCF-style: chr22-18931153-T-C. GRCh37 (hg19) VCF-style: chr22-18918666-T-C.
Other names: c.-6A>G (NM_001195226.2); short protein forms K107E.
Identifiers: ClinVar variation 1507712 (VCV001507712.8), dbSNP rs140129512, ClinGen allele CA10095469.

ClinVar aggregate classification (germline): Uncertain significance. Review status: criteria provided, multiple submitters, no conflicts (2 of 4 stars). 2 submissions from 2 submitters: Uncertain significance (2). Last evaluated 2024-12-09.

Conditions:
Schizophrenia 4 (SCZD4). Also called: SCHIZOPHRENIA SUSCEPTIBILITY LOCUS, CHROMOSOME 22q11-RELATED; SCHIZOPHRENIA, SUSCEPTIBILITY TO, 4. Identifiers: MedGen C1833247, MONDO:0010943, OMIM 600850.
Proline dehydrogenase deficiency (HYRPRO1). Also called: PROLINE OXIDASE DEFICIENCY; Hyperprolinemia type 1. Identifiers: Orphanet 419, MedGen C0268529, MONDO:0009400, OMIM 239500.

Allele frequency attached by ClinVar (database versions not stated): ExAC 0.00014; gnomAD exomes 0.00014; ESP Exome Variant Server 0.00015; 1000 Genomes Project 0.00020.

Submissions (2):

Labcorp Genetics (formerly Invitae), Labcorp
Classification: Uncertain significance for Proline dehydrogenase deficiency. Last evaluated: 2024-12-09. Review status: criteria provided, single submitter. Criteria: Invitae Variant Classification Sherloc (09022015). Collection method: clinical testing. Allele origin: germline.
Comment: This sequence change replaces lysine, which is basic and polar, with glutamic acid, which is acidic and polar, at codon 107 of the PRODH protein (p.Lys107Glu). This variant is present in population databases (rs140129512, gnomAD 0.03%). This variant has not been reported in the literature in individuals affected with PRODH-related conditions. ClinVar contains an entry for this variant (Variation ID: 1507712). An algorithm developed to predict the effect of missense changes on protein structure and function (PolyPhen-2) suggests that this variant¬†is likely to be tolerated. In summary, the available evidence is currently insufficient to determine the role of this variant in disease. Therefore, it has been classified as a Variant of Uncertain Significance.

Fulgent Genetics
Classification: Uncertain significance for Proline dehydrogenase deficiency; Schizophrenia 4. Last evaluated: 2022-04-06. Review status: criteria provided, single submitter. Criteria: ACMG Guidelines, 2015. Collection method: clinical testing. Allele origin: unknown.